The following is an entry in ClinVar:

NM_016239.4(MYO15A):c.10077G>A (p.Pro3359=)

Gene: MYO15A (myosin XVA; plus strand). Cytogenetic location: 17p11.2.
Variant type: single nucleotide variant.
Coding change: c.10077G>A on transcript NM_016239.4 (MANE Select); coding-DNA position 10077, G replaced by A.
Protein change: p.Pro3359=; no amino-acid change (proline 3359 retained).
Molecular consequence: synonymous variant.
Genome position (GRCh38, 1-based): chr17:18,167,718, G>A. VCF-style: chr17-18167718-G-A. GRCh37 (hg19) VCF-style: chr17-18071032-G-A.
Identifiers: ClinVar variation 45741 (VCV000045741.15), dbSNP rs367627564, ClinGen allele CA136980.

ClinVar aggregate classification (germline): Conflicting classifications of pathogenicity. Review status: criteria provided, conflicting classifications (1 of 4 stars). 3 submissions from 3 submitters: Uncertain significance (1); Likely benign (2). Last evaluated 2025-12-08.

Conditions:
Autosomal recessive nonsyndromic hearing loss 3. Also called: NEUROSENSORY NONSYNDROMIC RECESSIVE DEAFNESS 3. Identifiers: Orphanet 90636, MedGen C1838263, MONDO:0010860, OMIM 600316.

Allele frequency attached by ClinVar (database versions not stated): ExAC 0.00016; gnomAD 0.00017 and 0.00018; gnomAD exomes 0.00020; TOPMed 0.00020; ESP Exome Variant Server 0.00039.
gnomAD v4.1: 664 of 1,602,840 alleles (0.041%); highest among the groups gnomAD compares: Non-Finnish European, 0.054%; no homozygotes.

Submissions (3):

Labcorp Genetics (formerly Invitae), Labcorp
Classification: Likely benign. Last evaluated: 2025-12-08. Review status: criteria provided, single submitter. Criteria: Invitae Variant Classification Sherloc (09022015). Collection method: clinical testing. Allele origin: germline.

Illumina Laboratory Services, Illumina
Classification: Uncertain significance for Autosomal recessive nonsyndromic hearing loss 3. Last evaluated: 2017-04-27. Review status: criteria provided, single submitter. Criteria: ICSL Variant Classification Criteria 13 December 2019. Collection method: clinical testing. Allele origin: germline.

Laboratory for Molecular Medicine, Mass General Brigham Personalized Medicine
Classification: Likely benign. Last evaluated: 2012-04-30. Review status: criteria provided, single submitter. Criteria: LMM Criteria. Collection method: clinical testing. Allele origin: germline. Observed: 1 variant allele.
Comment: Pro3359Pro in Exon 62 of MYO15A: This variant is not expected to have clinical s ignificance because it does not alter an amino acid residue, is not located with in the splice consensus sequence, and has been identified in 2/6942 European Ame rican chromosomes from a broad population by the NHLBI Exome Sequencing Project.